The following is an entry in ClinVar:

ClinVar aggregate classification (germline): Uncertain significance (1 of 4 stars; one submission).

Allele frequency attached by ClinVar (database versions not stated): gnomAD exomes below 0.00001.
gnomAD v4.1: 6 of 1,613,562 alleles (0.00037%); highest among the groups gnomAD compares: Non-Finnish European, 0.00051%; no homozygotes.

Submission:

Labcorp Genetics (formerly Invitae), Labcorp
Classification: Uncertain significance. Last evaluated: 2024-03-07. Review status: criteria provided, single submitter. Criteria: Invitae Variant Classification Sherloc (09022015). Collection method: clinical testing. Allele origin: germline.
Comment: This sequence change replaces aspartic acid, which is acidic and polar, with histidine, which is basic and polar, at codon 207 of the ITM2B protein (p.Asp207His). This variant is not present in population databases (gnomAD no frequency). This variant has not been reported in the literature in individuals affected with ITM2B-related conditions. Advanced modeling of protein sequence and biophysical properties (such as structural, functional, and spatial information, amino acid conservation, physicochemical variation, residue mobility, and thermodynamic stability) performed at Invitae indicates that this missense variant is not expected to disrupt ITM2B protein function with a negative predictive value of 80%. In summary, the available evidence is currently insufficient to determine the role of this variant in disease. Therefore, it has been classified as a Variant of Uncertain Significance.

NM_021999.5(ITM2B):c.619G>C (p.Asp207His)

Gene: ITM2B (integral membrane protein 2B; plus strand). Cytogenetic location: 13q14.2.
Variant type: single nucleotide variant.
Coding change: c.619G>C on transcript NM_021999.5 (MANE Select); coding-DNA position 619, G replaced by C.
Protein change: p.Asp207His; replaces aspartic acid 207 with histidine.
Molecular consequence: missense variant.
Genome position (GRCh38, 1-based): chr13:48,258,851, G>C. VCF-style: chr13-48258851-G-C. GRCh37 (hg19) VCF-style: chr13-48832987-G-C.
Other names: short protein forms D207H.
Identifiers: ClinVar variation 2713983 (VCV002713983.3), dbSNP rs2542060451, ClinGen allele CA388251877.